The following is an entry in ClinVar:

NM_001372.4(DNAH9):c.8452C>T (p.Arg2818Trp)

Gene: DNAH9 (dynein axonemal heavy chain 9; plus strand). Cytogenetic location: 17p12.
Variant type: single nucleotide variant.
Coding change: c.8452C>T on transcript NM_001372.4 (MANE Select); coding-DNA position 8452, C replaced by T.
Protein change: p.Arg2818Trp; replaces arginine 2818 with tryptophan.
Molecular consequence: missense variant.
Genome position (GRCh38, 1-based): chr17:11,807,763, C>T. VCF-style: chr17-11807763-C-T. GRCh37 (hg19) VCF-style: chr17-11711080-C-T.
Other names: short protein forms R2818W.
Identifiers: ClinVar variation 2215457 (VCV002215457.3), dbSNP rs151011026, ClinGen allele CA8396937.

ClinVar aggregate classification (germline): Uncertain significance. Review status: criteria provided, multiple submitters, no conflicts (2 of 4 stars). 2 submissions from 2 submitters: Uncertain significance (2). Last evaluated 2025-03-10.

Conditions:
Inborn genetic diseases. Identifiers: MedGen C0950123, MeSH D030342.

Allele frequency attached by ClinVar (database versions not stated): gnomAD 0.00002; ExAC 0.00003; TOPMed 0.00003; gnomAD exomes 0.00007; ESP Exome Variant Server 0.00008; 1000 Genomes Project 30x 0.00016; 1000 Genomes Project 0.00020.
gnomAD v4.1: 110 of 1,612,524 alleles (0.0068%); highest among the groups gnomAD compares: East Asian, 0.013%; 1 homozygote.

Submissions (2):

Labcorp Genetics (formerly Invitae), Labcorp
Classification: Uncertain significance. Last evaluated: 2025-03-10. Review status: criteria provided, single submitter. Criteria: Invitae Variant Classification Sherloc (09022015). Collection method: clinical testing. Allele origin: germline.
Comment: This sequence change replaces arginine, which is basic and polar, with tryptophan, which is neutral and slightly polar, at codon 2818 of the DNAH9 protein (p.Arg2818Trp). This variant is present in population databases (rs151011026, gnomAD 0.02%). This variant has not been reported in the literature in individuals affected with DNAH9-related conditions. ClinVar contains an entry for this variant (Variation ID: 2215457). Invitae Evidence Modeling of protein sequence and biophysical properties (such as structural, functional, and spatial information, amino acid conservation, physicochemical variation, residue mobility, and thermodynamic stability) indicates that this missense variant is expected to disrupt DNAH9 protein function with a positive predictive value of 80%. In summary, the available evidence is currently insufficient to determine the role of this variant in disease. Therefore, it has been classified as a Variant of Uncertain Significance.

Ambry Genetics
Classification: Uncertain significance for Inborn genetic diseases. Last evaluated: 2021-10-12. Review status: criteria provided, single submitter. Criteria: Ambry Variant Classification Scheme 2023. Collection method: clinical testing. Allele origin: germline.